The following is an entry in ClinVar:

NM_000090.4(COL3A1):c.2690G>A (p.Gly897Asp)

Gene: COL3A1 (collagen type III alpha 1 chain; plus strand). Cytogenetic location: 2q32.2.
Variant type: single nucleotide variant.
Coding change: c.2690G>A on transcript NM_000090.4 (MANE Select); coding-DNA position 2690, G replaced by A.
Protein change: p.Gly897Asp; replaces glycine 897 with aspartic acid.
Molecular consequence: missense variant.
Genome position (GRCh38, 1-based): chr2:189,004,010, G>A. VCF-style: chr2-189004010-G-A. GRCh37 (hg19) VCF-style: chr2-189868736-G-A.
Other names: short protein forms G897D.
Identifiers: ClinVar variation 847002 (VCV000847002.10), dbSNP rs1688529460, ClinGen allele CA349843784.
Genomic context (GRCh38, chr2:189,004,010, plus strand): 5'-TAAATATTCAAATTTCAAACAATTATTTGTAGGGTAACCCAGGACCCCCAGGTCCCAGCG[G>A]TTCTCCAGGCAAGGATGGGCCCCCAGGTCCTGCGGGTAACACTGGTGCTCCTGGCAGCCC-3'
Protein context (NP_000081.2, residues 887-907): NGNPGPPGPS[Gly897Asp]SPGKDGPPGP

ClinVar aggregate classification (germline): Pathogenic (1 of 4 stars; one submission).

Conditions:
Ehlers-Danlos syndrome, type 4 (EDSVASC). Also called: Ehlers-Danlos Syndrome Type IV; Ehlers-Danlos syndrome vascular type; Ehlers Danlos syndrome, ecchymotic type; Ehlers Danlos syndrome, arterial type; Ehlers Danlos syndrome, Sack-Barabas type. Identifiers: Orphanet 286, MedGen C0268338, MONDO:0017314, OMIM 130050.

Submission:

Labcorp Genetics (formerly Invitae), Labcorp
Classification: Pathogenic for Ehlers-Danlos syndrome, type 4. Last evaluated: 2024-08-29. Review status: criteria provided, single submitter. Criteria: Invitae Variant Classification Sherloc (09022015). Collection method: clinical testing. Allele origin: germline.
Comment: This sequence change replaces glycine, which is neutral and non-polar, with aspartic acid, which is acidic and polar, at codon 897 of the COL3A1 protein (p.Gly897Asp). This variant is not present in population databases (gnomAD no frequency). This missense change has been observed in individual(s) with clinical features of Ehlers–Danlos syndrome (PMID: 25758994; internal data). In at least one individual the variant was observed to be de novo. ClinVar contains an entry for this variant (Variation ID: 847002). Invitae Evidence Modeling of protein sequence and biophysical properties (such as structural, functional, and spatial information, amino acid conservation, physicochemical variation, residue mobility, and thermodynamic stability) indicates that this missense variant is expected to disrupt COL3A1 protein function with a positive predictive value of 95%. This variant disrupts the triple helix domain of COL3A1. Glycine residues within the Gly-Xaa-Yaa repeats of the triple helix domain are required for the structure and stability of fibrillar collagens (PMID: 7695699, 8218237, 19344236). In COL3A1, variants that affect these glycine residues are significantly enriched in individuals with disease (PMID: 24922459, 25758994) compared to the general population (ExAC). For these reasons, this variant has been classified as Pathogenic.

Literature cited by the submitters: PubMed 25758994; PubMed 7695699; PubMed 8218237; PubMed 19344236; PubMed 24922459.